The following is an entry in ClinVar:

NM_000179.3(MSH6):c.2162G>A (p.Arg721Lys)

Gene: MSH6 (mutS homolog 6; plus strand). Cytogenetic location: 2p16.3.
Variant type: single nucleotide variant.
Coding change: c.2162G>A on transcript NM_000179.3 (MANE Select); coding-DNA position 2162, G replaced by A.
Protein change: p.Arg721Lys; replaces arginine 721 with lysine.
Molecular consequence: missense variant.
Genome position (GRCh38, 1-based): chr2:47,800,145, G>A. VCF-style: chr2-47800145-G-A. GRCh37 (hg19) VCF-style: chr2-48027284-G-A.
Other names: c.1772G>A, p.Arg591Lys (NM_001281492.2); c.1256G>A, p.Arg419Lys (NM_001281493.2, NM_001281494.2); short protein forms R721K, R419K, R591K.
Identifiers: ClinVar variation 581496 (VCV000581496.12), dbSNP rs876660319, ClinGen allele CA346751145.

ClinVar aggregate classification (germline): Conflicting classifications of pathogenicity. Review status: criteria provided, conflicting classifications (1 of 4 stars). 3 submissions from 3 submitters: Uncertain significance (2); Likely benign (1). Last evaluated 2025-11-06.

Conditions:
Hereditary cancer-predisposing syndrome. Also called: Neoplastic Syndromes, Hereditary; Tumor predisposition; Hereditary neoplastic syndrome; Hereditary Cancer Syndrome. Identifiers: Orphanet 140162, MedGen C0027672, MeSH D009386, MONDO:0015356.
Hereditary nonpolyposis colorectal neoplasms. Identifiers: MedGen C0009405, MeSH D003123.

Submissions (3):

Ambry Genetics
Classification: Likely benign for Hereditary cancer-predisposing syndrome. Last evaluated: 2025-11-06. Review status: criteria provided, single submitter. Criteria: Ambry Variant Classification Scheme 2023. Collection method: clinical testing. Allele origin: germline.

Color Diagnostics, LLC DBA Color Health
Classification: Uncertain significance for Hereditary cancer-predisposing syndrome. Last evaluated: 2023-12-04. Review status: criteria provided, single submitter. Criteria: ACMG Guidelines, 2015. Collection method: clinical testing. Allele origin: germline.
Comment: This missense variant replaces arginine with lysine at codon 721 of the MSH6 protein. Computational prediction suggests that this variant may not impact protein structure and function (internally defined REVEL score threshold <= 0.5, PMID: 27666373). To our knowledge, functional studies have not been reported for this variant. This variant has not been reported in individuals affected with MSH6-related disorders in the literature. This variant has not been identified in the general population by the Genome Aggregation Database (gnomAD). The available evidence is insufficient to determine the role of this variant in disease conclusively. Therefore, this variant is classified as a Variant of Uncertain Significance.

Labcorp Genetics (formerly Invitae), Labcorp
Classification: Uncertain significance for Hereditary nonpolyposis colorectal neoplasms. Last evaluated: 2018-05-04. Review status: criteria provided, single submitter. Criteria: Invitae Variant Classification Sherloc (09022015). Collection method: clinical testing. Allele origin: germline.
Comment: This variant has not been reported in the literature in individuals with MSH6-related disease. In summary, the available evidence is currently insufficient to determine the role of this variant in disease. Therefore, it has been classified as a Variant of Uncertain Significance. Algorithms developed to predict the effect of missense changes on protein structure and function output the following: SIFT: "Tolerated"; PolyPhen-2: "Benign"; Align-GVGD: "Class C0". The lysine amino acid residue is found in multiple mammalian species, suggesting that this missense change does not adversely affect protein function. These predictions have not been confirmed by published functional studies and their clinical significance is uncertain. This variant is not present in population databases (ExAC no frequency). This sequence change replaces arginine with lysine at codon 721 of the MSH6 protein (p.Arg721Lys). The arginine residue is weakly conserved and there is a small physicochemical difference between arginine and lysine.